The following is an entry in ClinVar:

NM_000553.6(WRN):c.1373A>G (p.Glu458Gly)

Gene: WRN (WRN RecQ like helicase; plus strand). Cytogenetic location: 8p12.
Variant type: single nucleotide variant.
Coding change: c.1373A>G on transcript NM_000553.6 (MANE Select); coding-DNA position 1373, A replaced by G.
Protein change: p.Glu458Gly; replaces glutamic acid 458 with glycine.
Molecular consequence: missense variant.
Genome position (GRCh38, 1-based): chr8:31,085,188, A>G. VCF-style: chr8-31085188-A-G. GRCh37 (hg19) VCF-style: chr8-30942704-A-G.
Other names: short protein forms E458G.
Identifiers: ClinVar variation 1039999 (VCV001039999.3), dbSNP rs1813481138, ClinGen allele CA370923726.

ClinVar aggregate classification (germline): Uncertain significance (1 of 4 stars; one submission).

Conditions:
Werner syndrome (WRN). Identifiers: Orphanet 902, MedGen C0043119, MONDO:0010196, OMIM 277700.

Allele frequency attached by ClinVar (database versions not stated): TOPMed below 0.00001; gnomAD 0.00001.

Submission:

Labcorp Genetics (formerly Invitae), Labcorp
Classification: Uncertain significance for Werner syndrome. Last evaluated: 2020-08-20. Review status: criteria provided, single submitter. Criteria: Invitae Variant Classification Sherloc (09022015). Collection method: clinical testing. Allele origin: germline.
Comment: This sequence change replaces glutamic acid with glycine at codon 458 of the WRN protein (p.Glu458Gly). The glutamic acid residue is moderately conserved and there is a moderate physicochemical difference between glutamic acid and glycine. This variant is not present in population databases (ExAC no frequency). This variant has not been reported in the literature in individuals with WRN-related conditions. Algorithms developed to predict the effect of missense changes on protein structure and function are either unavailable or do not agree on the potential impact of this missense change (SIFT: "Not Available"; PolyPhen-2: "Benign"; Align-GVGD: "Not Available"). In summary, the available evidence is currently insufficient to determine the role of this variant in disease. Therefore, it has been classified as a Variant of Uncertain Significance.